The following is an entry in ClinVar:

NM_001360.3(DHCR7):c.1030G>C (p.Gly344Arg)

Gene: DHCR7 (7-dehydrocholesterol reductase; minus strand). Cytogenetic location: 11q13.4.
Variant type: single nucleotide variant.
Coding change: c.1030G>C on transcript NM_001360.3 (MANE Select); coding-DNA position 1030, G replaced by C.
Protein change: p.Gly344Arg; replaces glycine 344 with arginine.
Molecular consequence: missense variant. On other transcripts: 3 prime UTR variant (1), intron variant (3).
Genome position (GRCh38, 1-based): chr11:71,435,773, C>G on the plus strand (G>C on the coding strand, the complement: DHCR7 is on the minus strand). VCF-style: chr11-71435773-C-G. GRCh37 (hg19) VCF-style: chr11-71146819-C-G.
Other names: c.1030G>C, p.Gly344Arg (NM_001163817.2, NM_001425109.1, NM_001425110.1 and 1 more transcripts); c.1081G>C, p.Gly361Arg (NM_001425107.1); c.1066G>C, p.Gly356Arg (NM_001425108.1); c.1164G>C, p.Trp388Cys (NM_001425112.1); c.970G>C, p.Gly324Arg (NM_001425113.1); c.934G>C, p.Gly312Arg (NM_001425114.1); c.1068G>C, p.Trp356Cys (NM_001425116.1); c.856G>C, p.Gly286Arg (NM_001425117.1); and 4 more; short protein forms G286R, G312R, G324R, G344R, G356R, G361R, W356C, W388C.
Identifiers: ClinVar variation 4814802 (VCV004814802.1).

ClinVar aggregate classification (germline): Likely pathogenic (1 of 4 stars; one submission).

Conditions:
Smith-Lemli-Opitz syndrome (SLOS). Also called: LETHAL ACRODYSGENITAL SYNDROME; POLYDACTYLY, SEX REVERSAL, RENAL HYPOPLASIA, AND UNILOBAR LUNG; RSH SYNDROME; RUTLEDGE LETHAL MULTIPLE CONGENITAL ANOMALY SYNDROME; 7-Dehydrocholesterol reductase deficiency. Identifiers: Orphanet 818, MedGen C0175694, MONDO:0010035, OMIM 270400.

Submission:

Natera, Inc.
Classification: Likely pathogenic for Smith-Lemli-Opitz syndrome. Last evaluated: 2025-11-10. Review status: criteria provided, single submitter. Criteria: Natera Variant Classification Schema (03/2026). Collection method: clinical testing. Allele origin: germline.
Comment: The c.1030G>C variant in DHCR7 is a missense variant predicted to cause substitution of glycine to arginine at amino acid 344. This variant is rare in the general population with a frequency below the threshold expected for the associated phenotype(s). This variant has been observed in one or more individuals affected with the associated recessive disease, as either homozygous or compound heterozygous with a second variant (PMID: 15896653). This variant has been identified in one or more affected individual with a phenotype highly consistent with the associated gene (PMID: 15896653, 18076100). Computational prediction algorithms indicate this variant is likely to affect gene or protein function. Given the available evidence, this variant is classified as Likely Pathogenic.

Literature cited by the submitters: PubMed 15896653; PubMed 18076100.